The following is an entry in ClinVar:

NM_002582.4(PARN):c.1462C>T (p.Pro488Ser)

Gene: PARN (poly(A)-specific ribonuclease; minus strand). Cytogenetic location: 16p13.12.
Variant type: single nucleotide variant.
Coding change: c.1462C>T on transcript NM_002582.4 (MANE Select); coding-DNA position 1462, C replaced by T.
Protein change: p.Pro488Ser; replaces proline 488 with serine.
Molecular consequence: missense variant.
Genome position (GRCh38, 1-based): chr16:14,552,039, G>A on the plus strand (C>T on the coding strand, the complement: PARN is on the minus strand). VCF-style: chr16-14552039-G-A. GRCh37 (hg19) VCF-style: chr16-14645896-G-A.
Other names: c.1279C>T, p.Pro427Ser (NM_001134477.3); c.1324C>T, p.Pro442Ser (NM_001242992.2); short protein forms P427S, P442S, P488S.
Identifiers: ClinVar variation 3749257 (VCV003749257.2).

ClinVar aggregate classification (germline): Uncertain significance (1 of 4 stars; one submission).

Conditions:
Dyskeratosis congenita, autosomal recessive 6 (DKCB6). Identifiers: MedGen C4225356, MONDO:0014600, OMIM 616353.
Pulmonary fibrosis and/or bone marrow failure, Telomere-related, 4. Also called: PULMONARY FIBROSIS AND/OR BONE MARROW FAILURE SYNDROME, TELOMERE-RELATED, 4. Identifiers: Orphanet 2032, MedGen C4225347, MONDO:0014612, OMIM 616371.

Submission:

Labcorp Genetics (formerly Invitae), Labcorp
Classification: Uncertain significance for Dyskeratosis congenita, autosomal recessive 6; Pulmonary fibrosis and/or bone marrow failure, Telomere-related, 4. Last evaluated: 2024-06-25. Review status: criteria provided, single submitter. Criteria: Invitae Variant Classification Sherloc (09022015). Collection method: clinical testing. Allele origin: germline.
Comment: This sequence change replaces proline, which is neutral and non-polar, with serine, which is neutral and polar, at codon 488 of the PARN protein (p.Pro488Ser). This variant is not present in population databases (gnomAD no frequency). This variant has not been reported in the literature in individuals affected with PARN-related conditions. Advanced modeling of protein sequence and biophysical properties (such as structural, functional, and spatial information, amino acid conservation, physicochemical variation, residue mobility, and thermodynamic stability) performed at Invitae indicates that this missense variant is not expected to disrupt PARN protein function with a negative predictive value of 80%. In summary, the available evidence is currently insufficient to determine the role of this variant in disease. Therefore, it has been classified as a Variant of Uncertain Significance.